The following is an entry in ClinVar:

NM_000383.4(AIRE):c.473T>C (p.Leu158Pro)

Gene: AIRE (autoimmune regulator; plus strand). Cytogenetic location: 21q22.3.
Variant type: single nucleotide variant.
Coding change: c.473T>C on transcript NM_000383.4 (MANE Select); coding-DNA position 473, T replaced by C.
Protein change: p.Leu158Pro; replaces leucine 158 with proline.
Molecular consequence: missense variant.
Genome position (GRCh38, 1-based): chr21:44,287,526, T>C. VCF-style: chr21-44287526-T-C. GRCh37 (hg19) VCF-style: chr21-45707409-T-C.
Other names: short protein forms L158P.
Identifiers: ClinVar variation 948009 (VCV000948009.1), dbSNP rs2040495001, ClinGen allele CA410423910.

ClinVar aggregate classification (germline): Uncertain significance (1 of 4 stars; one submission).

Conditions:
Polyglandular autoimmune syndrome, type 1 (APS1). Also called: Autoimmune polyendocrinopathy syndrome , type I, with or without reversible metaphyseal dysplasia; PGA I; Whitaker syndrome; AUTOIMMUNE POLYENDOCRINE SYNDROME, TYPE I, WITH OR WITHOUT REVERSIBLE METAPHYSEAL DYSPLASIA; Autoimmune polyendocrinopathy syndrome, type I; HYPOADRENOCORTICISM WITH HYPOPARATHYROIDISM AND SUPERFICIAL MONILIASIS. Identifiers: Orphanet 3453, MedGen C0085859, MONDO:0009411, OMIM 240300.

gnomAD v4.1: 3 of 1,555,130 alleles (0.00019%); highest among the groups gnomAD compares: Non-Finnish European, 0.00026%; no homozygotes.

Submission:

Labcorp Genetics (formerly Invitae), Labcorp
Classification: Uncertain significance for Polyglandular autoimmune syndrome, type 1. Last evaluated: 2019-04-25. Review status: criteria provided, single submitter. Criteria: Invitae Variant Classification Sherloc (09022015). Collection method: clinical testing. Allele origin: germline.
Comment: This sequence change replaces leucine with proline at codon 158 of the AIRE protein (p.Leu158Pro). The leucine residue is weakly conserved and there is a moderate physicochemical difference between leucine and proline. This variant is not present in population databases (ExAC no frequency). This variant has not been reported in the literature in individuals with AIRE-related conditions. Algorithms developed to predict the effect of missense changes on protein structure and function output the following: SIFT: "Tolerated"; PolyPhen-2: "Benign"; Align-GVGD: "Class C0". The proline amino acid residue is found in multiple mammalian species, suggesting that this missense change does not adversely affect protein function. These predictions have not been confirmed by published functional studies and their clinical significance is uncertain. In summary, the available evidence is currently insufficient to determine the role of this variant in disease. Therefore, it has been classified as a Variant of Uncertain Significance.